The following is an entry in ClinVar:

ClinVar aggregate classification (germline): Uncertain significance (1 of 4 stars; one submission).

Conditions:
DYRK1A-related intellectual disability syndrome (MRD7). Also called: DYRK1A Syndrome; Intellectual developmental disorder, autosomal dominant 7. Identifiers: Orphanet 464306, MedGen C5568143, MONDO:0013578, OMIM 614104.

Allele frequency attached by ClinVar (database versions not stated): gnomAD exomes below 0.00001; ExAC 0.00001.

Submission:

Labcorp Genetics (formerly Invitae), Labcorp
Classification: Uncertain significance for DYRK1A-related intellectual disability syndrome. Last evaluated: 2020-03-06. Review status: criteria provided, single submitter. Criteria: Invitae Variant Classification Sherloc (09022015). Collection method: clinical testing. Allele origin: germline.
Comment: This sequence change replaces proline with serine at codon 88 of the DYRK1A protein (p.Pro88Ser). The proline residue is highly conserved and there is a moderate physicochemical difference between proline and serine. This variant is present in population databases (rs759745713, ExAC 0.01%). This variant has not been reported in the literature in individuals with DYRK1A-related conditions. Algorithms developed to predict the effect of missense changes on protein structure and function are either unavailable or do not agree on the potential impact of this missense change (SIFT: "Deleterious"; PolyPhen-2: "Benign"; Align-GVGD: "Class C0"). In summary, the available evidence is currently insufficient to determine the role of this variant in disease. Therefore, it has been classified as a Variant of Uncertain Significance.

NM_001347721.2(DYRK1A):c.235C>T (p.Pro79Ser)

Gene: DYRK1A (dual specificity tyrosine phosphorylation regulated kinase 1A; plus strand). Cytogenetic location: 21q22.13.
Variant type: single nucleotide variant.
Coding change: c.235C>T on transcript NM_001347721.2 (MANE Select); coding-DNA position 235, C replaced by T.
Protein change: p.Pro79Ser; replaces proline 79 with serine.
Molecular consequence: missense variant.
Genome position (GRCh38, 1-based): chr21:37,478,235, C>T. VCF-style: chr21-37478235-C-T. GRCh37 (hg19) VCF-style: chr21-38850537-C-T.
Other names: c.235C>T, p.Pro79Ser (NM_001347722.2, NM_130436.2); c.148C>T, p.Pro50Ser (NM_001347723.2); c.262C>T, p.Pro88Ser (NM_001396.5, NM_101395.2, NM_130438.2); short protein forms P50S, P79S, P88S.
Identifiers: ClinVar variation 1038974 (VCV001038974.9), dbSNP rs759745713, ClinGen allele CA10023758.
Genomic context (GRCh38, chr21:37,478,235, plus strand): 5'-TTTAAGGTGATGCCTGATATTGTCATGTTACAGAGGCGGATGCCCCAAACCTTCCGTGAC[C>T]CAGCAACTGCTCCCCTGAGAAAACTTTCTGTTGACTTGATCAAAACATACAAGCATATTA-3'
Protein context (NP_001334650.1, residues 69-89): QRRMPQTFRD[Pro79Ser]ATAPLRKLSV